The following is an entry in ClinVar:

ClinVar aggregate classification (germline): Conflicting classifications of pathogenicity. Review status: criteria provided, conflicting classifications (1 of 4 stars). 2 submissions from 2 submitters: Uncertain significance (1); Likely benign (1). Last evaluated 2026-02-14.

Conditions:
Cardiovascular phenotype. Identifiers: MedGen CN230736.
Catecholaminergic polymorphic ventricular tachycardia 1. Also called: VENTRICULAR TACHYCARDIA, CATECHOLAMINERGIC POLYMORPHIC, 1, WITH OR WITHOUT ATRIAL DYSFUNCTION AND/OR DILATED CARDIOMYOPATHY; RYR2-Related Catecholaminergic Polymorphic Ventricular Tachycardia; VENTRICULAR TACHYCARDIA, STRESS-INDUCED POLYMORPHIC 1. Identifiers: Orphanet 3286, MedGen C1631597, MONDO:0011484, OMIM 604772.

Allele frequency attached by ClinVar (database versions not stated): gnomAD exomes below 0.00001; TOPMed below 0.00001.
gnomAD v4.1: 1 of 1,612,368 alleles (0.000062%); highest among the groups gnomAD compares: African/African-American, 0.0013%; no homozygotes.

Submissions (2):

Ambry Genetics
Classification: Uncertain significance for Cardiovascular phenotype. Last evaluated: 2026-02-14. Review status: criteria provided, single submitter. Criteria: Ambry Variant Classification Scheme 2023. Collection method: clinical testing. Allele origin: germline.
Comment: The p.V4475E variant (also known as c.13424T>A), located in coding exon 92 of the RYR2 gene, results from a T to A substitution at nucleotide position 13424. The valine at codon 4475 is replaced by glutamic acid, an amino acid with dissimilar properties. This amino acid position is conserved. In addition, the in silico prediction for this alteration is inconclusive. Based on the available evidence, the clinical significance of this variant remains unclear.

Labcorp Genetics (formerly Invitae), Labcorp
Classification: Likely benign for Catecholaminergic polymorphic ventricular tachycardia 1. Last evaluated: 2025-07-22. Review status: criteria provided, single submitter. Criteria: Invitae Variant Classification Sherloc (09022015). Collection method: clinical testing. Allele origin: germline.

NM_001035.3(RYR2):c.13424T>A (p.Val4475Glu)

Gene: RYR2 (ryanodine receptor 2; plus strand). Cytogenetic location: 1q43.
Variant type: single nucleotide variant.
Coding change: c.13424T>A on transcript NM_001035.3 (MANE Select); coding-DNA position 13424, T replaced by A.
Protein change: p.Val4475Glu; replaces valine 4475 with glutamic acid.
Molecular consequence: missense variant.
Genome position (GRCh38, 1-based): chr1:237,788,083, T>A. VCF-style: chr1-237788083-T-A. GRCh37 (hg19) VCF-style: chr1-237951383-T-A.
Other names: c.13424T>A (NM_001035.2); short protein forms V4475E.
Identifiers: ClinVar variation 1041867 (VCV001041867.11), dbSNP rs1347737490, ClinGen allele CA345416563.